The following is an entry in ClinVar:

NM_001273.5(CHD4):c.238del (p.Arg80fs)

Gene: CHD4 (chromodomain helicase DNA binding protein 4; minus strand). Cytogenetic location: 12p13.31.
Variant type: Deletion.
Coding change: c.238del on transcript NM_001273.5 (MANE Select); coding-DNA position 238, one base deleted (C; older notation c.238delC).
Protein change: p.Arg80fs; shifts the reading frame from arginine 80.
Molecular consequence: frameshift variant. On other transcripts: intron variant (1).
Genome position (GRCh38, 1-based): chr12:6,602,160, G deleted on the plus strand (C on the coding strand, the reverse complement: CHD4 is on the minus strand); the first of 2 consecutive G bases (chr12:6,602,160-6,602,161); deleting either gives the same sequence. VCF-style (leftmost placement, unchanged base first): chr12-6602159-CG-C. GRCh37 (hg19) VCF-style: chr12-6711325-CG-C.
Other names: c.238del, p.Arg80fs (NM_001363606.2); c.223-6del (NM_001297553.2); short protein forms R80fs.
Identifiers: ClinVar variation 3390497 (VCV003390497.1).
Genomic context (GRCh38, chr12:6,602,159, plus strand): 5'-GCCACCTCTTCCTCCTCCTCCACAAACTCTGGCCCCTCCCCAGAGCTGTCCCCCAGCTGC[CG>C]GCATAAGAGCATACGCTGGAGCAGGGCAAGGGGGGAAGAGGGAGACAGACACACACATGC-3'

ClinVar aggregate classification (germline): Uncertain significance (1 of 4 stars; one submission).

Submission:

GeneDx
Classification: Uncertain significance. Last evaluated: 2024-06-12. Review status: criteria provided, single submitter. Criteria: GeneDx Variant Classification Process June 2021. Collection method: clinical testing. Allele origin: germline. Affected: yes.
Comment: Not observed at significant frequency in large population cohorts (gnomAD); Frameshift variant predicted to result in protein truncation or nonsense mediated decay in a gene or region of a gene for which loss of function is not a well-established mechanism of disease; Has not been previously published as pathogenic or benign to our knowledge